The following is an entry in ClinVar:

ClinVar aggregate classification (germline): Uncertain significance. Review status: criteria provided, multiple submitters, no conflicts (2 of 4 stars). 2 submissions from 2 submitters: Uncertain significance (2). Last evaluated 2025-09-05.

Submissions (2):

Dasa
Classification: Uncertain significance. Last evaluated: 2025-09-05. Review status: criteria provided, single submitter. Criteria: DASA Assertion Criteria. Collection method: clinical testing. Allele origin: germline.
Comment: NM_014727.3(KMT2B):c.275G>T (p.Gly92Val) is a missense variant that results in the substitution of glycine with valine. This variant is rare in population databases. The currently available literature and clinical evidence are not sufficient to establish a definitive association between this variant and the reported condition. Therefore, this variant is classified as a variant of uncertain significance.

GeneDx
Classification: Uncertain significance. Last evaluated: 2025-08-15. Review status: criteria provided, single submitter. Criteria: GeneDx Variant Classification Process June 2021. Collection method: clinical testing. Allele origin: germline. Affected: yes.
Comment: Not observed at significant frequency in large population cohorts (gnomAD); In silico analysis suggests that this missense variant does not alter protein structure/function; Has not been previously published as pathogenic or benign to our knowledge

NM_014727.3(KMT2B):c.275G>T (p.Gly92Val)

Gene: KMT2B (lysine methyltransferase 2B; plus strand). Cytogenetic location: 19q13.12.
Variant type: single nucleotide variant.
Coding change: c.275G>T on transcript NM_014727.3 (MANE Select); coding-DNA position 275, G replaced by T.
Protein change: p.Gly92Val; replaces glycine 92 with valine.
Molecular consequence: missense variant.
Genome position (GRCh38, 1-based): chr19:35,718,293, G>T. VCF-style: chr19-35718293-G-T. GRCh37 (hg19) VCF-style: chr19-36209195-G-T.
Other names: short protein forms G92V.
Identifiers: ClinVar variation 4795272 (VCV004795272.3).